The following is an entry in ClinVar:

ClinVar aggregate classification (germline): Conflicting classifications of pathogenicity. Review status: criteria provided, conflicting classifications (1 of 4 stars). 3 submissions from 3 submitters: Uncertain significance (2); Benign (1). Last evaluated 2025-04-30.

Conditions:
Ehlers-Danlos syndrome, classic type, 1 (EDSCL1). Also called: EHLERS-DANLOS SYNDROME, GRAVIS TYPE; EHLERS-DANLOS SYNDROME, SEVERE CLASSIC TYPE; Ehlers-Danlos syndrome, type 1; Ehlers-Danlos Syndrome, Classic Type, COL5A1-Related; EDS I. Identifiers: MedGen C0268335, MONDO:0019567, OMIM 130000.

Allele frequency attached by ClinVar (database versions not stated): gnomAD exomes below 0.00001 and 0.00001; TOPMed below 0.00001; ExAC 0.00001; gnomAD 0.00001; 1000 Genomes Project 30x 0.00016; 1000 Genomes Project 0.00020.
gnomAD v4.1: 4 of 1,613,076 alleles (0.00025%); highest among the groups gnomAD compares: African/African-American, 0.0013%; no homozygotes.

Submissions (3):

GeneDx
Classification: Uncertain significance. Last evaluated: 2025-04-30. Review status: criteria provided, single submitter. Criteria: GeneDx Variant Classification Process June 2021. Collection method: clinical testing. Allele origin: germline. Affected: yes.
Comment: Has not been previously published as pathogenic or benign to our knowledge; Not observed at significant frequency in large population cohorts (gnomAD); In silico analysis indicates that this missense variant does not alter protein structure/function; Occurs in the triple helical domain at the Y position in the canonical Gly-X-Y repeat; although this variant may have an effect on normal protein folding and function, missense substitution at the Y position is not a common mechanism of disease (PMID: 22696272; HGMD); This variant is associated with the following publications: (PMID: 22696272)

Blueprint Genetics
Classification: Uncertain significance. Last evaluated: 2024-02-15. Review status: criteria provided, single submitter. Criteria: ACMG Guidelines, 2015. Collection method: clinical testing. Allele origin: germline.

Labcorp Genetics (formerly Invitae), Labcorp
Classification: Benign for Ehlers-Danlos syndrome, classic type, 1. Last evaluated: 2024-02-07. Review status: criteria provided, single submitter. Criteria: Invitae Variant Classification Sherloc (09022015). Collection method: clinical testing. Allele origin: germline.

NM_000093.5(COL5A1):c.2681A>G (p.Asn894Ser)

Gene: COL5A1 (collagen type V alpha 1 chain; plus strand). Cytogenetic location: 9q34.3.
Variant type: single nucleotide variant.
Coding change: c.2681A>G on transcript NM_000093.5 (MANE Select); coding-DNA position 2681, A replaced by G.
Protein change: p.Asn894Ser; replaces asparagine 894 with serine.
Molecular consequence: missense variant.
Genome position (GRCh38, 1-based): chr9:134,789,189, A>G. VCF-style: chr9-134789189-A-G. GRCh37 (hg19) VCF-style: chr9-137681035-A-G.
Other names: c.2681A>G, p.Asn894Ser (NM_001278074.1); c.2681A>G (NM_000093.3); short protein forms N894S.
Identifiers: ClinVar variation 1408692 (VCV001408692.8), dbSNP rs542939338, ClinGen allele CA5319522.